The following is an entry in ClinVar:

ClinVar aggregate classification (germline): Likely benign. Review status: criteria provided, single submitter (1 of 4 stars). 2 submissions from 2 submitters: Likely benign (1). 1 of the submissions does not count toward it. Last evaluated 2026-01-21.

Conditions:
LRRC56-related disorder. Also called: LRRC56-related condition.

Allele frequency attached by ClinVar (database versions not stated): ExAC 0.00012; ESP Exome Variant Server 0.00015; gnomAD 0.00016; TOPMed 0.00016.
gnomAD v4.1: 328 of 1,606,824 alleles (0.02%); highest among the groups gnomAD compares: Middle Eastern, 0.17%; no homozygotes.

Submissions (2):

Labcorp Genetics (formerly Invitae), Labcorp
Classification: Likely benign. Last evaluated: 2026-01-21. Review status: criteria provided, single submitter. Criteria: Invitae Variant Classification Sherloc (09022015). Collection method: clinical testing. Allele origin: germline.

PreventionGenetics, part of Exact Sciences
Classification: Likely benign for LRRC56-related condition. Last evaluated: 2021-04-15. Review status: no assertion criteria provided. Collection method: clinical testing. Allele origin: germline. Not counted in ClinVar's aggregate classification.
Comment: This variant is classified as likely benign based on ACMG/AMP sequence variant interpretation guidelines (Richards et al. 2015 PMID: 25741868, with internal and published modifications).

NM_198075.4(LRRC56):c.973+9C>T

Gene: LRRC56 (leucine rich repeat containing 56; plus strand). Cytogenetic location: 11p15.5.
Variant type: single nucleotide variant.
Coding change: c.973+9C>T on transcript NM_198075.4 (MANE Select); 9 bases into the intron after coding-DNA position 973, C replaced by T.
Molecular consequence: intron variant.
Genome position (GRCh38, 1-based): chr11:551,836, C>T. VCF-style: chr11-551836-C-T. GRCh37 (hg19) VCF-style: chr11-551836-C-T.
Other names: c.973+9C>T (NM_198075.3).
Identifiers: ClinVar variation 2149635 (VCV002149635.6), dbSNP rs199709812, ClinGen allele CA5779880.